The following is an entry in ClinVar:

NM_001018113.3(FANCB):c.1757C>T (p.Pro586Leu)

Gene: FANCB (FA complementation group B; minus strand). Cytogenetic location: Xp22.2.
Variant type: single nucleotide variant.
Coding change: c.1757C>T on transcript NM_001018113.3 (MANE Select); coding-DNA position 1757, C replaced by T.
Protein change: p.Pro586Leu; replaces proline 586 with leucine.
Molecular consequence: missense variant.
Genome position (GRCh38, 1-based): chrX:14,845,026, G>A on the plus strand (C>T on the coding strand, the complement: FANCB is on the minus strand). VCF-style: chrX-14845026-G-A. GRCh37 (hg19) VCF-style: chrX-14863148-G-A.
Other names: c.1757C>T, p.Pro586Leu (NM_001324162.2, NM_001410764.1, NM_152633.4); short protein forms P586L.
Identifiers: ClinVar variation 2849249 (VCV002849249.3), dbSNP rs2518953194, ClinGen allele CA412439693.

ClinVar aggregate classification (germline): Uncertain significance (1 of 4 stars; one submission).

Conditions:
Fanconi anemia (FA). Also called: Fanconi's anemia. Identifiers: Orphanet 84, MedGen C0015625, MeSH D005199, MONDO:0019391.

Submission:

Labcorp Genetics (formerly Invitae), Labcorp
Classification: Uncertain significance for Fanconi anemia. Last evaluated: 2023-02-11. Review status: criteria provided, single submitter. Criteria: Invitae Variant Classification Sherloc (09022015). Collection method: clinical testing. Allele origin: germline.
Comment: In summary, the available evidence is currently insufficient to determine the role of this variant in disease. Therefore, it has been classified as a Variant of Uncertain Significance. Advanced modeling of protein sequence and biophysical properties (such as structural, functional, and spatial information, amino acid conservation, physicochemical variation, residue mobility, and thermodynamic stability) performed at Invitae indicates that this missense variant is expected to disrupt FANCB protein function. This variant has not been reported in the literature in individuals affected with FANCB-related conditions. This variant is not present in population databases (gnomAD no frequency). This sequence change replaces proline, which is neutral and non-polar, with leucine, which is neutral and non-polar, at codon 586 of the FANCB protein (p.Pro586Leu).